The following is an entry in ClinVar:

NM_002691.4(POLD1):c.1706T>C (p.Leu569Pro)

Gene: POLD1 (DNA polymerase delta 1, catalytic subunit; plus strand). Cytogenetic location: 19q13.33.
Variant type: single nucleotide variant.
Coding change: c.1706T>C on transcript NM_002691.4 (MANE Select); coding-DNA position 1706, T replaced by C.
Protein change: p.Leu569Pro; replaces leucine 569 with proline.
Molecular consequence: missense variant. On other transcripts: non-coding transcript variant (1).
Genome position (GRCh38, 1-based): chr19:50,407,346, T>C. VCF-style: chr19-50407346-T-C. GRCh37 (hg19) VCF-style: chr19-50910603-T-C.
Other names: c.1706T>C, p.Leu569Pro (NM_001256849.1, NM_001308632.1); short protein forms L569P.
Identifiers: ClinVar variation 1778460 (VCV001778460.2), dbSNP rs2514003014, ClinGen allele CA406981207.

ClinVar aggregate classification (germline): Uncertain significance (1 of 4 stars; one submission).

Conditions:
Hereditary cancer-predisposing syndrome. Also called: Neoplastic Syndromes, Hereditary; Tumor predisposition; Hereditary Cancer Syndrome; Hereditary neoplastic syndrome. Identifiers: Orphanet 140162, MedGen C0027672, MeSH D009386, MONDO:0015356.

Submission:

Ambry Genetics
Classification: Uncertain significance for Hereditary cancer-predisposing syndrome. Last evaluated: 2021-10-17. Review status: criteria provided, single submitter. Criteria: Ambry Variant Classification Scheme 2023. Collection method: clinical testing. Allele origin: germline.
Comment: The p.L569P variant (also known as c.1706T>C), located in coding exon 13 of the POLD1 gene, results from a T to C substitution at nucleotide position 1706. The leucine at codon 569 is replaced by proline, an amino acid with similar properties. This amino acid position is conserved. In addition, the in silico prediction for this alteration is inconclusive. Since supporting evidence is limited at this time, the clinical significance of this alteration remains unclear.